The following is an entry in ClinVar:

NM_152703.5(SAMD9L):c.4478T>C (p.Ile1493Thr)

Gene: SAMD9L (sterile alpha motif domain containing 9 like; minus strand). Cytogenetic location: 7q21.2.
Variant type: single nucleotide variant.
Coding change: c.4478T>C on transcript NM_152703.5 (MANE Select); coding-DNA position 4478, T replaced by C.
Protein change: p.Ile1493Thr; replaces isoleucine 1493 with threonine.
Molecular consequence: missense variant.
Genome position (GRCh38, 1-based): chr7:93,131,494, A>G on the plus strand (T>C on the coding strand, the complement: SAMD9L is on the minus strand). VCF-style: chr7-93131494-A-G. GRCh37 (hg19) VCF-style: chr7-92760807-A-G.
Other names: c.4478T>C, p.Ile1493Thr (NM_001303496.3, NM_001303497.3, NM_001303498.3 and 5 more transcripts); short protein forms I1493T.
Identifiers: ClinVar variation 4630087 (VCV004630087.1).

ClinVar aggregate classification (germline): Uncertain significance (1 of 4 stars; one submission).

Conditions:
Inborn genetic diseases. Identifiers: MedGen C0950123, MeSH D030342.

gnomAD v4.1: 2 of 1,613,900 alleles (0.00012%); highest among the groups gnomAD compares: South Asian, 0.0011%; no homozygotes.

Submission:

Ambry Genetics
Classification: Uncertain significance for Inborn genetic diseases. Last evaluated: 2025-10-28. Review status: criteria provided, single submitter. Criteria: Ambry Variant Classification Scheme 2023. Collection method: clinical testing. Allele origin: germline.
Comment: The p.I1493T variant (also known as c.4478T>C), located in coding exon 1 of the SAMD9L gene, results from a T to C substitution at nucleotide position 4478. The isoleucine at codon 1493 is replaced by threonine, an amino acid with similar properties. This amino acid position is conserved. In addition, the in silico prediction for this alteration is inconclusive. Based on the available evidence, the clinical significance of this variant remains unclear.